The following is an entry in ClinVar:

NM_014249.4(NR2E3):c.245+1G>C

Gene: NR2E3 (nuclear receptor subfamily 2 group E member 3; plus strand). Cytogenetic location: 15q23.
Variant type: single nucleotide variant.
Coding change: c.245+1G>C on transcript NM_014249.4 (MANE Select); the canonical splice donor site of the intron after coding-DNA position 245, G replaced by C.
Molecular consequence: splice donor variant.
Genome position (GRCh38, 1-based): chr15:71,811,610, G>C. VCF-style: chr15-71811610-G-C. GRCh37 (hg19) VCF-style: chr15-72103950-G-C.
Other names: c.245+1G>C (NM_016346.4).
Identifiers: ClinVar variation 1067997 (VCV001067997.9), dbSNP rs2140288875, ClinGen allele CA393032232.
Genomic context (GRCh38, chr15:71,811,610, plus strand): 5'-TGCCTGCAACGGCTGCAGCGGCTTCTTCAAGAGGAGCGTACGGCGGAGGCTCATCTACAG[G>C]TGAGTGCGGTGGGCCCTGCTGGGCGTCTGCCCCTGAGGGGTTCTGGAGGGGTGAGGGGGT-3'

ClinVar aggregate classification (germline): Likely pathogenic (1 of 4 stars; one submission).

Submission:

Labcorp Genetics (formerly Invitae), Labcorp
Classification: Likely pathogenic. Last evaluated: 2024-12-02. Review status: criteria provided, single submitter. Criteria: Invitae Variant Classification Sherloc (09022015). Collection method: clinical testing. Allele origin: germline.
Comment: This sequence change affects a donor splice site in intron 2 of the NR2E3 gene. It is expected to disrupt RNA splicing. Variants that disrupt the donor or acceptor splice site typically lead to a loss of protein function (PMID: 16199547), and loss-of-function variants in NR2E3 are known to be pathogenic (PMID: 15459973, 27522502). This variant is not present in population databases (gnomAD no frequency). This variant has not been reported in the literature in individuals affected with NR2E3-related conditions. ClinVar contains an entry for this variant (Variation ID: 1067997). Algorithms developed to predict the effect of sequence changes on RNA splicing suggest that this variant may disrupt the consensus splice site. In summary, the currently available evidence indicates that the variant is pathogenic, but additional data are needed to prove that conclusively. Therefore, this variant has been classified as Likely Pathogenic.

Literature cited by the submitters: PubMed 16199547; PubMed 15459973; PubMed 27522502.